The following is an entry in ClinVar:

ClinVar aggregate classification (germline): Pathogenic. Review status: criteria provided, multiple submitters, no conflicts (2 of 4 stars). 2 submissions from 2 submitters: Pathogenic (2). Last evaluated 2021-05-06.

Conditions:
Joubert syndrome 17 (JBTS17). Identifiers: Orphanet 475, MedGen C3553264, MONDO:0013824, OMIM 614615.

Allele frequency attached by ClinVar (database versions not stated): TOPMed below 0.00001; gnomAD exomes 0.00001.
gnomAD v4.1: 4 of 1,549,450 alleles (0.00026%); highest among the groups gnomAD compares: East Asian, 0.0024%; no homozygotes.

Submissions (2):

Victorian Clinical Genetics Services, Murdoch Childrens Research Institute
Classification: Pathogenic for Joubert syndrome 17. Last evaluated: 2021-05-06. Review status: criteria provided, single submitter. Criteria: ACMG Guidelines, 2015. Collection method: clinical testing. Allele origin: germline. Inheritance: Autosomal recessive inheritance.
Comment: Based on the classification scheme VCGS_Germline_v1.3.4, this variant is classified as Pathogenic. Following criteria are met: 0102 - Loss of function is a known mechanism of disease in this gene and is associated with Joubert syndrome 17 (MIM#614615) and orofaciodigital syndrome VI (MIM#277170) (OMIM). (I) 0106 - This gene is associated with autosomal recessive disease. (I) 0201 - Variant is predicted to cause nonsense-mediated decay (NMD) and loss of protein (premature termination codon is located at least 54 nucleotides upstream of the final exon-exon junction). (SP) 0251 - This variant is heterozygous. (I) 0304 - Variant is present in gnomAD <0.01 for a recessive condition (v2: 1 heterozygote, 0 homozygotes). (SP) 0701 - Other NMD-predicted variants comparable to the one identified in this case have very strong previous evidence for pathogenicity. There are at least nine pathogenic NMD-predicted variants that have been previously reported (ClinVar, Decipher, PMID: 29605658) (SP) 0807 - This variant has no previous evidence of pathogenicity. (I) 0905 - No published segregation evidence has been identified for this variant. (I) 1007 - No published functional evidence has been identified for this variant. (I) Legend: (SP) - Supporting pathogenic, (I) - Information, (SB) - Supporting benign

Labcorp Genetics (formerly Invitae), Labcorp
Classification: Pathogenic. Last evaluated: 2020-08-07. Review status: criteria provided, single submitter. Criteria: Invitae Variant Classification Sherloc (09022015). Collection method: clinical testing. Allele origin: germline.
Comment: For these reasons, this variant has been classified as Pathogenic. Loss-of-function variants in CPLANE1 are known to be pathogenic (PMID: 22425360, 24178751). This variant has not been reported in the literature in individuals with CPLANE1-related conditions. This variant is not present in population databases (ExAC no frequency). This sequence change creates a premature translational stop signal (p.Arg978*) in the CPLANE1 gene. It is expected to result in an absent or disrupted protein product.

Literature cited by the submitters: PubMed 29605658 (cited by Victorian Clinical Genetics Services, Murdoch Childrens Research Institute); PubMed 22425360 (cited by Labcorp Genetics (formerly Invitae), Labcorp); PubMed 24178751 (cited by Labcorp Genetics (formerly Invitae), Labcorp).

NM_001384732.1(CPLANE1):c.2932C>T (p.Arg978Ter)

Gene: CPLANE1 (ciliogenesis and planar polarity effector complex subunit 1; minus strand). Cytogenetic location: 5p13.2.
Variant type: single nucleotide variant.
Coding change: c.2932C>T on transcript NM_001384732.1 (MANE Select); coding-DNA position 2932, C replaced by T.
Protein change: p.Arg978Ter; replaces arginine 978 with a stop codon.
Molecular consequence: nonsense.
Genome position (GRCh38, 1-based): chr5:37,206,414, G>A on the plus strand (C>T on the coding strand, the complement: CPLANE1 is on the minus strand). VCF-style: chr5-37206414-G-A. GRCh37 (hg19) VCF-style: chr5-37206516-G-A.
Other names: c.2932C>T, p.Arg978Ter (NM_023073.4); short protein forms R978*.
Identifiers: ClinVar variation 846826 (VCV000846826.8), dbSNP rs1359437084, ClinGen allele CA359517713.